The following is an entry in ClinVar:

ClinVar aggregate classification (germline): Uncertain significance (1 of 4 stars; one submission).

Conditions:
Lamb-Shaffer syndrome. Identifiers: Orphanet 313884, Orphanet 313892, Orphanet 530983, MedGen C4225202, MONDO:0014778, OMIM 616803.

Submission:

Baylor Genetics
Classification: Uncertain significance for Lamb-Shaffer syndrome. Last evaluated: 2018-05-04. Review status: criteria provided, single submitter. Criteria: ACMG Guidelines, 2015. Collection method: clinical testing. Allele origin: paternal. Affected: yes.
Comment: This variant was determined to be of uncertain significance according to ACMG Guidelines, 2015 [PMID:25741868].

NM_006940.6(SOX5):c.353G>T (p.Arg118Leu)

Gene: SOX5 (SRY-box transcription factor 5; minus strand). Cytogenetic location: 12p12.1.
Variant type: single nucleotide variant.
Coding change: c.353G>T on transcript NM_006940.6 (MANE Select); coding-DNA position 353, G replaced by T.
Protein change: p.Arg118Leu; replaces arginine 118 with leucine.
Molecular consequence: missense variant.
Genome position (GRCh38, 1-based): chr12:23,846,111, C>A on the plus strand (G>T on the coding strand, the complement: SOX5 is on the minus strand). VCF-style: chr12-23846111-C-A. GRCh37 (hg19) VCF-style: chr12-23999045-C-A.
Other names: c.314G>T, p.Arg105Leu (NM_001261414.3, NM_152989.5); c.323G>T, p.Arg108Leu (NM_001261415.3); c.248G>T, p.Arg83Leu (NM_001330785.2); short protein forms R108L, R118L, R105L, R83L.
Identifiers: ClinVar variation 1033169 (VCV001033169.1), dbSNP rs1217393451, ClinGen allele CA384322162.